The following is an entry in ClinVar:

ClinVar aggregate classification (germline): Uncertain significance (1 of 4 stars; one submission).

Allele frequency attached by ClinVar (database versions not stated): TOPMed below 0.00001; ExAC 0.00001; gnomAD 0.00001; ESP Exome Variant Server 0.00008.
gnomAD v4.1: 1 of 1,614,062 alleles (0.000062%); highest among the groups gnomAD compares: African/African-American, 0.0013%; no homozygotes.

Submission:

Labcorp Genetics (formerly Invitae), Labcorp
Classification: Uncertain significance. Last evaluated: 2023-08-31. Review status: criteria provided, single submitter. Criteria: Invitae Variant Classification Sherloc (09022015). Collection method: clinical testing. Allele origin: germline.
Comment: This sequence change replaces serine, which is neutral and polar, with tyrosine, which is neutral and polar, at codon 183 of the TFAP2A protein (p.Ser183Tyr). In summary, the available evidence is currently insufficient to determine the role of this variant in disease. Therefore, it has been classified as a Variant of Uncertain Significance. An algorithm developed to predict the effect of missense changes on protein structure and function (PolyPhen-2) suggests that this variant is likely to be tolerated. This variant has not been reported in the literature in individuals affected with TFAP2A-related conditions. This variant is not present in population databases (gnomAD no frequency).

NM_001372066.1(TFAP2A):c.554C>A (p.Ser185Tyr)

Genes: TFAP2A (transcription factor AP-2 alpha; minus strand), TFAP2A-AS2 (TFAP2A antisense RNA 2; plus strand), LOC121740638 (BRD4-independent group 4 enhancer GRCh37_chr6:10403277-10404476; plus strand). Cytogenetic location: 6p24.3.
Variant type: single nucleotide variant.
Coding change: c.554C>A on transcript NM_001372066.1 (MANE Select); coding-DNA position 554, C replaced by A.
Protein change: p.Ser185Tyr; replaces serine 185 with tyrosine.
Molecular consequence: missense variant. On other transcripts: non-coding transcript variant (1).
Genome position (GRCh38, 1-based): chr6:10,404,724, G>T on the plus strand (C>A on the coding strand, the complement: TFAP2A is on the minus strand). VCF-style: chr6-10404724-G-T. GRCh37 (hg19) VCF-style: chr6-10404957-G-T.
Other names: c.530C>A, p.Ser177Tyr (NM_001032280.3); c.536C>A, p.Ser179Tyr (NM_001042425.3); short protein forms S185Y, S177Y, S179Y.
Identifiers: ClinVar variation 2757042 (VCV002757042.3), dbSNP rs146735451, ClinGen allele CA3631292.